The following is an entry in ClinVar:

NM_012463.4(ATP6V0A2):c.1526T>G (p.Val509Gly)

Gene: ATP6V0A2 (ATPase H+ transporting V0 subunit a2; plus strand). Cytogenetic location: 12q24.31.
Variant type: single nucleotide variant.
Coding change: c.1526T>G on transcript NM_012463.4 (MANE Select); coding-DNA position 1526, T replaced by G.
Protein change: p.Val509Gly; replaces valine 509 with glycine.
Molecular consequence: missense variant.
Genome position (GRCh38, 1-based): chr12:123,744,893, T>G. VCF-style: chr12-123744893-T-G. GRCh37 (hg19) VCF-style: chr12-124229440-T-G.
Other names: short protein forms V509G.
Identifiers: ClinVar variation 502655 (VCV000502655.11), dbSNP rs760212304, ClinGen allele CA6861959.

ClinVar aggregate classification (germline): Uncertain significance. Review status: criteria provided, multiple submitters, no conflicts (2 of 4 stars). 6 submissions from 6 submitters: Uncertain significance (6). Last evaluated 2026-07-01.

Conditions:
Inborn genetic diseases. Identifiers: MedGen C0950123, MeSH D030342.
ALG9 congenital disorder of glycosylation (CDG1L). Also called: CDG Il; ALG9-CDG; CONGENITAL DISORDER OF GLYCOSYLATION, TYPE Il. Identifiers: Orphanet 79328, MedGen C2931006, MONDO:0012117, OMIM 608776.

Allele frequency attached by ClinVar (database versions not stated): gnomAD exomes 0.00002 and 0.00001; TOPMed 0.00002; ExAC 0.00001.
gnomAD v4.1: 7 of 1,614,208 alleles (0.00043%); highest among the groups gnomAD compares: Admixed American, 0.01%; no homozygotes.

Submissions (6):

CeGaT Center for Human Genetics Tuebingen
Classification: Uncertain significance. Last evaluated: 2026-07-01. Review status: criteria provided, single submitter. Criteria: CeGaT Center For Human Genetics Tuebingen Variant Classification Criteria Version 2. Collection method: clinical testing. Allele origin: germline. Affected: yes. Observed: 1 variant allele.
Comment: ATP6V0A2: PM2

Labcorp Genetics (formerly Invitae), Labcorp
Classification: Uncertain significance for ALG9 congenital disorder of glycosylation. Last evaluated: 2025-12-27. Review status: criteria provided, single submitter. Criteria: Invitae Variant Classification Sherloc (09022015). Collection method: clinical testing. Allele origin: germline.
Comment: This sequence change replaces valine, which is neutral and non-polar, with glycine, which is neutral and non-polar, at codon 509 of the ATP6V0A2 protein (p.Val509Gly). This variant is present in population databases (rs760212304, gnomAD 0.02%). This variant has not been reported in the literature in individuals affected with ATP6V0A2-related conditions. ClinVar contains an entry for this variant (Variation ID: 502655). Invitae Evidence Modeling of protein sequence and biophysical properties (such as structural, functional, and spatial information, amino acid conservation, physicochemical variation, residue mobility, and thermodynamic stability) indicates that this missense variant is not expected to disrupt ATP6V0A2 protein function with a negative predictive value of 80%. In summary, the available evidence is currently insufficient to determine the role of this variant in disease. Therefore, it has been classified as a Variant of Uncertain Significance.

Athena Diagnostics
Classification: Uncertain significance. Last evaluated: 2024-12-31. Review status: criteria provided, single submitter. Criteria: Athena Diagnostics Criteria. Collection method: clinical testing. Allele origin: unknown.
Comment: Available data are insufficient to determine the clinical significance of the variant at this time. The frequency of this variant in the general population is uninformative in assessment of its pathogenicity. Polyphen and MutationTaster predict this amino acid change may be benign.

Ambry Genetics
Classification: Uncertain significance for Inborn genetic diseases. Last evaluated: 2023-12-06. Review status: criteria provided, single submitter. Criteria: Ambry Variant Classification Scheme 2023. Collection method: clinical testing. Allele origin: germline.

GeneDx
Classification: Uncertain significance. Last evaluated: 2020-01-17. Review status: criteria provided, single submitter. Criteria: GeneDx Variant Classification Process June 2021. Collection method: clinical testing. Allele origin: germline. Affected: yes.
Comment: In silico analysis, which includes protein predictors and evolutionary conservation, supports a deleterious effect; Has not been previously published as pathogenic or benign to our knowledge

Eurofins Ntd Llc (ga)
Classification: Uncertain significance. Last evaluated: 2017-06-23. Review status: criteria provided, single submitter. Criteria: EGL Classification Definitions 2015. Collection method: clinical testing. Allele origin: germline. Observed: 1 variant allele, 1 heterozygote.